The following is an entry in ClinVar:

ClinVar aggregate classification (germline): Pathogenic/Likely pathogenic. Review status: criteria provided, multiple submitters, no conflicts (2 of 4 stars). 2 submissions from 2 submitters: Pathogenic (1); Likely pathogenic (1). Last evaluated 2023-12-09.

Conditions:
Multiple acyl-CoA dehydrogenase deficiency (MADD). Also called: Glutaric aciduria, type 2; Glutaric Acidemia type 2; Glutaric acidemia type II; GA 2; ETHYLMALONIC-ADIPICACIDURIA; GA II. Identifiers: Orphanet 26791, MedGen C0268596, MONDO:0009282, OMIM 231680.

Submissions (2):

Labcorp Genetics (formerly Invitae), Labcorp
Classification: Likely pathogenic for Multiple acyl-CoA dehydrogenase deficiency. Last evaluated: 2023-12-09. Review status: criteria provided, single submitter. Criteria: Invitae Variant Classification Sherloc (09022015). Collection method: clinical testing. Allele origin: germline.
Comment: This sequence change affects an acceptor splice site in intron 3 of the ETFDH gene. It is expected to disrupt RNA splicing. Variants that disrupt the donor or acceptor splice site typically lead to a loss of protein function (PMID: 16199547), and loss-of-function variants in ETFDH are known to be pathogenic (PMID: 16510302, 23785301). This variant is not present in population databases (gnomAD no frequency). Disruption of this splice site has been observed in individual(s) with multiple Acyl-CoA dehydrogenase deficiency (PMID: 27038534). ClinVar contains an entry for this variant (Variation ID: 1068253). Algorithms developed to predict the effect of sequence changes on RNA splicing suggest that this variant may disrupt the consensus splice site. In summary, the currently available evidence indicates that the variant is pathogenic, but additional data are needed to prove that conclusively. Therefore, this variant has been classified as Likely Pathogenic.

Baylor Genetics
Classification: Pathogenic for Multiple acyl-CoA dehydrogenase deficiency. Last evaluated: 2023-11-12. Review status: criteria provided, single submitter. Criteria: ACMG Guidelines, 2015. Collection method: clinical testing. Allele origin: unknown.

Literature cited by the submitters: PubMed 16199547 (cited by Labcorp Genetics (formerly Invitae), Labcorp); PubMed 16510302 (cited by Labcorp Genetics (formerly Invitae), Labcorp); PubMed 23785301 (cited by Labcorp Genetics (formerly Invitae), Labcorp); PubMed 27038534 (cited by Labcorp Genetics (formerly Invitae), Labcorp).

NM_004453.4(ETFDH):c.406-2A>G

Gene: ETFDH (electron transfer flavoprotein dehydrogenase; plus strand). Cytogenetic location: 4q32.1.
Variant type: single nucleotide variant.
Coding change: c.406-2A>G on transcript NM_004453.4 (MANE Select); the canonical splice acceptor site of the intron before coding-DNA position 406, A replaced by G.
Molecular consequence: splice acceptor variant.
Genome position (GRCh38, 1-based): chr4:158,684,590, A>G. VCF-style: chr4-158684590-A-G. GRCh37 (hg19) VCF-style: chr4-159605742-A-G.
Other names: c.265-2A>G (NM_001281737.2); c.223-2A>G (NM_001281738.1).
Identifiers: ClinVar variation 1068253 (VCV001068253.10), dbSNP rs2150306282, ClinGen allele CA358574899.